The following is an entry in ClinVar:

NC_000011.10:g.47332264A>G

Gene: MYBPC3 (myosin binding protein C3; minus strand). Cytogenetic location: 11p11.2.
Variant type: single nucleotide variant.
Genome position: GRCh38 VCF-style: chr11-47332264-A-G. GRCh37 (hg19) VCF-style: chr11-47353815-A-G.
Other names: c.3628-6T>C (LRG_386t1, NM_000256.3).
Identifiers: ClinVar variation 378197 (VCV000378197.11), dbSNP rs1057520329, ClinGen allele CA16606241.

ClinVar aggregate classification (germline): Conflicting classifications of pathogenicity. Review status: criteria provided, conflicting classifications (1 of 4 stars). 4 submissions from 4 submitters: Uncertain significance (1); Likely benign (3). Last evaluated 2025-06-03.

Conditions:
Cardiomyopathy (CMYO). Also called: Cardiomyopathies. Identifiers: Orphanet 167848, MedGen C0878544, MONDO:0004994, HP:0001638. Inheritance: Various modes of inheritance.
Hypertrophic cardiomyopathy. Also called: HYPERTROPHIC MYOCARDIOPATHY. Identifiers: Orphanet 217569, MedGen C0007194, MeSH D002312, MONDO:0005045, HP:0001639.

Allele frequency attached by ClinVar (database versions not stated): gnomAD exomes below 0.00001; gnomAD 0.00001; TOPMed 0.00001.
gnomAD v4.1: 7 of 1,613,440 alleles (0.00043%); highest among the groups gnomAD compares: Middle Eastern, 0.016%; no homozygotes.

Submissions (4):

Labcorp Genetics (formerly Invitae), Labcorp
Classification: Likely benign for Hypertrophic cardiomyopathy. Last evaluated: 2025-06-03. Review status: criteria provided, single submitter. Criteria: Invitae Variant Classification Sherloc (09022015). Collection method: clinical testing. Allele origin: germline.

Blueprint Genetics
Classification: Likely benign. Last evaluated: 2019-08-19. Review status: criteria provided, single submitter. Criteria: ACMG Guidelines, 2015. Collection method: clinical testing. Allele origin: germline.

CHEO Genetics Diagnostic Laboratory, Children's Hospital of Eastern Ontario
Classification: Uncertain significance for Cardiomyopathy. Last evaluated: 2017-09-19. Review status: criteria provided, single submitter. Criteria: ACMG Guidelines, 2015. Collection method: clinical testing. Allele origin: germline. Study: Canadian Open Genetics Repository.

GeneDx
Classification: Likely benign. Last evaluated: 2016-06-06. Review status: criteria provided, single submitter. Criteria: GeneDx Variant Classification (06012015). Collection method: clinical testing. Allele origin: germline. Affected: yes.
Comment: This variant is considered likely benign or benign based on one or more of the following criteria: it is a conservative change, it occurs at a poorly conserved position in the protein, it is predicted to be benign by multiple in silico algorithms, and/or has population frequency not consistent with disease.